The following is an entry in ClinVar:

ClinVar aggregate classification (germline): Uncertain significance. Review status: criteria provided, multiple submitters, no conflicts (2 of 4 stars). 2 submissions from 2 submitters: Uncertain significance (2). Last evaluated 2026-05-07.

Conditions:
CEP290-related disorder. Also called: CEP290-related condition; CEP290-related disorders. Identifiers: MedGen CN239314.
Inborn genetic diseases. Identifiers: MedGen C0950123, MeSH D030342.

gnomAD v4.1: 1 of 1,609,052 alleles (0.000062%); highest among the groups gnomAD compares: Non-Finnish European, 0.000085%; no homozygotes.

Submissions (2):

PreventionGenetics, part of Exact Sciences
Classification: Uncertain significance for CEP290-related condition. Last evaluated: 2026-05-07. Review status: criteria provided, single submitter. Criteria: ACMG Guidelines, 2015. Collection method: clinical testing. Allele origin: germline.
Comment: The CEP290 c.5C>T variant is predicted to result in the amino acid substitution p.Pro2Leu. To our knowledge, this variant has not been reported in the literature or in a large population database (gnomAD), indicating this variant is rare. At this time, the clinical significance of this variant is uncertain due to the absence of conclusive functional and genetic evidence.

Ambry Genetics
Classification: Uncertain significance for Inborn genetic diseases. Last evaluated: 2026-04-23. Review status: criteria provided, single submitter. Criteria: Ambry Variant Classification Scheme 2023. Collection method: clinical testing. Allele origin: germline.

NM_025114.4(CEP290):c.5C>T (p.Pro2Leu)

Gene: CEP290 (centrosomal protein 290; minus strand). Cytogenetic location: 12q21.32.
Variant type: single nucleotide variant.
Coding change: c.5C>T on transcript NM_025114.4 (MANE Select); coding-DNA position 5, C replaced by T.
Protein change: p.Pro2Leu; replaces proline 2 with leucine.
Molecular consequence: missense variant.
Genome position (GRCh38, 1-based): chr12:88,141,303, G>A on the plus strand (C>T on the coding strand, the complement: CEP290 is on the minus strand). VCF-style: chr12-88141303-G-A. GRCh37 (hg19) VCF-style: chr12-88535080-G-A.
Other names: short protein forms P2L.
Identifiers: ClinVar variation 4868735 (VCV004868735.2).
Genomic context (GRCh38, chr12:88,141,303, plus strand): 5'-TCTTGACGGGGCAGGTCATCTGGGTCAACTTTCATTATTTCTTTCCAGTTTATATTAGGT[G>A]GCATCTTGAATTCTTTCACTGTGCTCCACCTCTGTAACAAAACAGGTGTATATTAGCATT-3'
Protein context (NP_079390.3, residues 1-12): M[Pro2Leu]PNINWKEIMK